The following is an entry in ClinVar:

NM_004525.3(LRP2):c.-5C>T

Gene: LRP2 (LDL receptor related protein 2; minus strand). Cytogenetic location: 2q31.1.
Variant type: single nucleotide variant.
Coding change: c.-5C>T on transcript NM_004525.3 (MANE Select); 5 bases upstream of the start codon, C replaced by T.
Molecular consequence: 5 prime UTR variant.
Genome position (GRCh38, 1-based): chr2:169,362,404, G>A on the plus strand (C>T on the coding strand, the complement: LRP2 is on the minus strand). VCF-style: chr2-169362404-G-A. GRCh37 (hg19) VCF-style: chr2-170218914-G-A.
Identifiers: ClinVar variation 892919 (VCV000892919.29), dbSNP rs373286009, ClinGen allele CA1956031.

ClinVar aggregate classification (germline): Conflicting classifications of pathogenicity. Review status: criteria provided, conflicting classifications (1 of 4 stars). 5 submissions from 5 submitters: Uncertain significance (1); Likely benign (3). 1 of the submissions does not count toward it. Last evaluated 2026-03-12.

Conditions:
Donnai-Barrow syndrome. Also called: DBS/FOAR SYNDROME; FACIOOCULOACOUSTICORENAL SYNDROME. Identifiers: Orphanet 2143, MedGen C1857277, MONDO:0009104, OMIM 222448.
LRP2-related disorder. Also called: LRP2-related condition.

Allele frequency attached by ClinVar (database versions not stated): gnomAD exomes 0.00022 and 0.00049; ExAC 0.00068; 1000 Genomes Project 0.00180; 1000 Genomes Project 30x 0.00203; ESP Exome Variant Server 0.00219; gnomAD 0.00241 and 0.00255; TOPMed 0.00283.
gnomAD v4.1: 686 of 1,557,762 alleles (0.044%); highest among the groups gnomAD compares: African/African-American, 0.82%; 6 homozygotes.

Submissions (5):

GeneDx
Classification: Uncertain significance. Last evaluated: 2026-03-12. Review status: criteria provided, single submitter. Criteria: GeneDx Variant Classification Process June 2021. Collection method: clinical testing. Allele origin: germline.
Comment: Alters the Kozak sequence, which plays a major role in the initiation of translation; Has not been previously published as pathogenic or benign to our knowledge

Blueprint Genetics
Classification: Likely benign. Last evaluated: 2024-11-25. Review status: criteria provided, single submitter. Criteria: ACMG Guidelines, 2015. Collection method: clinical testing. Allele origin: germline.

CeGaT Center for Human Genetics Tuebingen
Classification: Likely benign. Last evaluated: 2023-03-01. Review status: criteria provided, single submitter. Criteria: CeGaT Center For Human Genetics Tuebingen Variant Classification Criteria Version 2. Collection method: clinical testing. Allele origin: germline. Affected: yes. Observed: 1 variant allele.
Comment: LRP2: BP4, BS2

Illumina Laboratory Services, Illumina
Classification: Likely benign for Donnai-Barrow syndrome. Last evaluated: 2018-01-13. Review status: criteria provided, single submitter. Criteria: ICSL Variant Classification Criteria 13 December 2019. Collection method: clinical testing. Allele origin: germline.
Comment: This variant was observed in the ICSL laboratory as part of a predisposition screen in an ostensibly healthy population. It had not been previously curated by ICSL or reported in the Human Gene Mutation Database (HGMD: prior to June 1st, 2018), and was therefore a candidate for classification through an automated scoring system. Utilizing variant allele frequency, disease prevalence and penetrance estimates, and inheritance mode, an automated score was calculated to assess if this variant is too frequent to cause the disease. Based on the score and internal cut-off values, a variant classified as likely benign is not then subjected to further curation. The score for this variant resulted in a classification of likely benign for this disease.

PreventionGenetics, part of Exact Sciences
Classification: Benign for LRP2-related condition. Last evaluated: 2024-06-24. Review status: no assertion criteria provided. Collection method: clinical testing. Allele origin: germline. Not counted in ClinVar's aggregate classification.
Comment: This variant is classified as benign based on ACMG/AMP sequence variant interpretation guidelines (Richards et al. 2015 PMID: 25741868, with internal and published modifications).